The following is an entry in ClinVar:

NM_001080517.3(SETD5):c.4033G>C (p.Ala1345Pro)

Gene: SETD5 (SET domain containing 5; plus strand). Cytogenetic location: 3p25.3.
Variant type: single nucleotide variant.
Coding change: c.4033G>C on transcript NM_001080517.3 (MANE Select); coding-DNA position 4033, G replaced by C.
Protein change: p.Ala1345Pro; replaces alanine 1345 with proline.
Molecular consequence: missense variant.
Genome position (GRCh38, 1-based): chr3:9,475,795, G>C. VCF-style: chr3-9475795-G-C. GRCh37 (hg19) VCF-style: chr3-9517479-G-C.
Other names: c.3739G>C, p.Ala1247Pro (NM_001292043.2, NM_001349451.2); short protein forms A1247P, A1345P.
Identifiers: ClinVar variation 3343312 (VCV003343312.3).

ClinVar aggregate classification (germline): Uncertain significance. Review status: criteria provided, multiple submitters, no conflicts (2 of 4 stars). 2 submissions from 2 submitters: Uncertain significance (2). Last evaluated 2026-08-13.

Submissions (2):

GeneDx
Classification: Uncertain significance. Last evaluated: 2026-08-13. Review status: criteria provided, single submitter. Criteria: GeneDx Variant Classification Process June 2021. Collection method: clinical testing. Allele origin: germline.
Comment: Not observed at significant frequency in large population cohorts (gnomAD); In silico analysis suggests that this missense variant does not alter protein structure/function; Has not been previously published as pathogenic or benign to our knowledge

Women's Health and Genetics/Laboratory Corporation of America, LabCorp
Classification: Uncertain significance. Last evaluated: 2026-06-26. Review status: criteria provided, single submitter. Criteria: LabCorp Variant Classification Summary - May 2015. Collection method: clinical testing. Allele origin: germline.
Comment: Variant summary: SETD5 c.4033G>C (p.Ala1345Pro) results in a non-conservative amino acid change in the encoded protein sequence. Algorithms developed to predict the effect of missense changes on protein structure and function all suggest that this variant is likely to be disruptive. The variant was absent in 249152 control chromosomes. The available data on variant occurrences in the general population are insufficient to allow any conclusion about variant significance. To our knowledge, no occurrence of c.4033G>C in individuals affected with SETD5-related conditions and no experimental evidence demonstrating its impact on protein function have been reported. ClinVar contains an entry for this variant (Variation ID: 3343312). Based on the evidence outlined above, the variant was classified as uncertain significance.